The following is an entry in ClinVar:

ClinVar aggregate classification (germline): Uncertain significance (1 of 4 stars; one submission).

Submission:

Labcorp Genetics (formerly Invitae), Labcorp
Classification: Uncertain significance. Last evaluated: 2025-01-27. Review status: criteria provided, single submitter. Criteria: Invitae Variant Classification Sherloc (09022015). Collection method: clinical testing. Allele origin: germline.
Comment: This sequence change replaces methionine, which is neutral and non-polar, with arginine, which is basic and polar, at codon 242 of the KCNQ5 protein (p.Met242Arg). This variant is not present in population databases (gnomAD no frequency). This variant has not been reported in the literature in individuals affected with KCNQ5-related conditions. Invitae Evidence Modeling of protein sequence and biophysical properties (such as structural, functional, and spatial information, amino acid conservation, physicochemical variation, residue mobility, and thermodynamic stability) indicates that this missense variant is expected to disrupt KCNQ5 protein function with a positive predictive value of 80%. In summary, the available evidence is currently insufficient to determine the role of this variant in disease. Therefore, it has been classified as a Variant of Uncertain Significance.

NM_019842.4(KCNQ5):c.725T>G (p.Met242Arg)

Gene: KCNQ5 (potassium voltage-gated channel subfamily Q member 5; plus strand). Cytogenetic location: 6q13.
Variant type: single nucleotide variant.
Coding change: c.725T>G on transcript NM_019842.4 (MANE Select); coding-DNA position 725, T replaced by G.
Protein change: p.Met242Arg; replaces methionine 242 with arginine.
Molecular consequence: missense variant.
Genome position (GRCh38, 1-based): chr6:73,077,430, T>G. VCF-style: chr6-73077430-T-G. GRCh37 (hg19) VCF-style: chr6-73787153-T-G.
Other names: c.725T>G, p.Met242Arg (NM_001160130.2, NM_001160132.2, NM_001160133.2 and 1 more transcripts); short protein forms M242R.
Identifiers: ClinVar variation 3664617 (VCV003664617.2).
Genomic context (GRCh38, chr6:73,077,430, plus strand): 5'-AGGGTAATATTTTTGCCACGTCTGCACTCAGAAGTCTCCGTTTCCTACAGATCCTCCGCA[T>G]GGTGCGCATGGACCGAAGGGGAGGCACTTGGAAATTACTGGGTTCAGTGGTTTATGCTCA-3'
Protein context (NP_062816.2, residues 232-252): RSLRFLQILR[Met242Arg]VRMDRRGGTW